The following is an entry in ClinVar:

NM_001128228.3(TPRN):c.1574G>A (p.Arg525Gln)

Gene: TPRN (taperin; minus strand). Cytogenetic location: 9q34.3.
Variant type: single nucleotide variant.
Coding change: c.1574G>A on transcript NM_001128228.3 (MANE Select); coding-DNA position 1574, G replaced by A.
Protein change: p.Arg525Gln; replaces arginine 525 with glutamine.
Molecular consequence: missense variant.
Genome position (GRCh38, 1-based): chr9:137,199,138, C>T on the plus strand (G>A on the coding strand, the complement: TPRN is on the minus strand). VCF-style: chr9-137199138-C-T. GRCh37 (hg19) VCF-style: chr9-140093590-C-T.
Other names: c.1574G>A (NM_001128228.2); short protein forms R525Q.
Identifiers: ClinVar variation 193182 (VCV000193182.8), dbSNP rs781517970, ClinGen allele CA238688.

ClinVar aggregate classification (germline): Uncertain significance. Review status: criteria provided, multiple submitters, no conflicts (2 of 4 stars). 3 submissions from 3 submitters: Uncertain significance (3). Last evaluated 2023-04-27.

Conditions:
Inborn genetic diseases. Identifiers: MedGen C0950123, MeSH D030342.

Allele frequency attached by ClinVar (database versions not stated): TOPMed 0.00005.
gnomAD v4.1: 103 of 1,613,092 alleles (0.0064%); highest among the groups gnomAD compares: Non-Finnish European, 0.0083%; no homozygotes.

Submissions (3):

Blueprint Genetics
Classification: Uncertain significance. Last evaluated: 2023-04-27. Review status: criteria provided, single submitter. Criteria: ACMG Guidelines, 2015. Collection method: clinical testing. Allele origin: germline.

Ambry Genetics
Classification: Uncertain significance for Inborn genetic diseases. Last evaluated: 2021-01-07. Review status: criteria provided, single submitter. Criteria: Ambry Variant Classification Scheme 2023. Collection method: clinical testing. Allele origin: germline.
Comment: The c.1574G>A (p.R525Q) alteration is located in exon 1 (coding exon 1) of the TPRN gene. This alteration results from a G to A substitution at nucleotide position 1574, causing the arginine (R) at amino acid position 525 to be replaced by a glutamine (Q). The p.R525Q alteration is predicted to be tolerated by in silico analysis. Based on insufficient or conflicting evidence, the clinical significance of this alteration remains unclear.

Eurofins Ntd Llc (ga)
Classification: Uncertain significance. Last evaluated: 2014-11-21. Review status: criteria provided, single submitter. Criteria: EGL Classification Definitions 2015. Collection method: clinical testing. Allele origin: germline. Observed: 1 variant allele, 1 heterozygote.